The following is an entry in ClinVar:

ClinVar aggregate classification (germline): Conflicting classifications of pathogenicity. Review status: criteria provided, conflicting classifications (1 of 4 stars). 7 submissions from 7 submitters: Uncertain significance (1); Likely benign (6). Last evaluated 2026-06-01.

Conditions:
Xeroderma pigmentosum, group D (XPD). Also called: XERODERMA PIGMENTOSUM, COMPLEMENTATION GROUP D; XERODERMA PIGMENTOSUM IV; XP, GROUP D; XP, GROUP H; ERCC2-Related Xeroderma Pigmentosum. Identifiers: MedGen C0268138, MONDO:0010212, OMIM 278730.
Xeroderma pigmentosum (XP). Identifiers: Orphanet 910, MedGen C0043346, MONDO:0019600.
Inborn genetic diseases. Identifiers: MedGen C0950123, MeSH D030342.

Allele frequency attached by ClinVar (database versions not stated): gnomAD 0.00022; TOPMed 0.00027; ESP Exome Variant Server 0.00062.
gnomAD v4.1: 700 of 1,613,822 alleles (0.043%); highest among the groups gnomAD compares: Non-Finnish European, 0.057%; no homozygotes.

Submissions (7):

CeGaT Center for Human Genetics Tuebingen
Classification: Likely benign. Last evaluated: 2026-06-01. Review status: criteria provided, single submitter. Criteria: CeGaT Center For Human Genetics Tuebingen Variant Classification Criteria Version 2. Collection method: clinical testing. Allele origin: germline. Affected: yes. Observed: 9 variant alleles.
Comment: ERCC2: BP4, BP7

Labcorp Genetics (formerly Invitae), Labcorp
Classification: Likely benign. Last evaluated: 2026-02-01. Review status: criteria provided, single submitter. Criteria: Invitae Variant Classification Sherloc (09022015). Collection method: clinical testing. Allele origin: germline.

Blueprint Genetics
Classification: Likely benign. Last evaluated: 2024-09-19. Review status: criteria provided, single submitter. Criteria: ACMG Guidelines, 2015. Collection method: clinical testing. Allele origin: germline.

Ambry Genetics
Classification: Likely benign for Inborn genetic diseases. Last evaluated: 2022-03-06. Review status: criteria provided, single submitter. Criteria: Ambry Variant Classification Scheme 2023. Collection method: clinical testing. Allele origin: germline.

Sema4
Classification: Likely benign for Xeroderma pigmentosum. Last evaluated: 2021-05-26. Review status: criteria provided, single submitter. Criteria: Sema4 Curation Guidelines. Collection method: curation. Allele origin: germline.

Mendelics
Classification: Likely benign for Xeroderma pigmentosum, group D. Last evaluated: 2019-05-28. Review status: criteria provided, single submitter. Criteria: Mendelics Assertion Criteria 2017. Collection method: clinical testing. Allele origin: unknown.

Illumina Laboratory Services, Illumina
Classification: Uncertain significance for Xeroderma pigmentosum, group D. Last evaluated: 2018-01-13. Review status: criteria provided, single submitter. Criteria: ICSL Variant Classification Criteria 13 December 2019. Collection method: clinical testing. Allele origin: germline.

NM_000400.4(ERCC2):c.1905G>A (p.Ala635=)

Gene: ERCC2 (ERCC excision repair 2, TFIIH core complex helicase subunit; minus strand). Cytogenetic location: 19q13.32.
Variant type: single nucleotide variant.
Coding change: c.1905G>A on transcript NM_000400.4 (MANE Select); coding-DNA position 1905, G replaced by A.
Protein change: p.Ala635=; no amino-acid change (alanine 635 retained).
Molecular consequence: synonymous variant.
Genome position (GRCh38, 1-based): chr19:45,352,647, C>T on the plus strand (G>A on the coding strand, the complement: ERCC2 is on the minus strand). VCF-style: chr19-45352647-C-T. GRCh37 (hg19) VCF-style: chr19-45855905-C-T.
Identifiers: ClinVar variation 329507 (VCV000329507.45), dbSNP rs145835916, ClinGen allele CA9512977.